The following is an entry in ClinVar:

ClinVar aggregate classification (germline): Conflicting classifications of pathogenicity. Review status: criteria provided, conflicting classifications (1 of 4 stars). 4 submissions from 4 submitters: Likely pathogenic (3); Uncertain significance (1). Last evaluated 2023-08-23.

Conditions:
Lynch syndrome. Identifiers: Orphanet 144, MedGen C4552100, MONDO:0005835. Disease mechanism: loss of function.
Hereditary nonpolyposis colorectal neoplasms. Identifiers: MedGen C0009405, MeSH D003123.
Hereditary cancer-predisposing syndrome. Also called: Neoplastic Syndromes, Hereditary; Hereditary neoplastic syndrome; Tumor predisposition; Hereditary Cancer Syndrome. Identifiers: Orphanet 140162, MedGen C0027672, MeSH D009386, MONDO:0015356.
Lynch syndrome 5 (LYNCH5). Also called: Colorectal cancer, hereditary nonpolyposis, type 5; Hereditary non-polyposis colorectal cancer, type 5. Identifiers: Orphanet 144, MedGen C1833477, MONDO:0013710, OMIM 614350. Disease mechanism: loss of function.

Allele frequency attached by ClinVar (database versions not stated): TOPMed below 0.00001.

Submissions (4):

Myriad Genetics, Inc.
Classification: Likely pathogenic for Lynch syndrome 5. Last evaluated: 2023-08-23. Review status: criteria provided, single submitter. Criteria: Myriad Autosomal Dominant, Autosomal Recessive and X-Linked Classification Criteria (2023). Collection method: clinical testing. Allele origin: unknown.
Comment: This variant is considered likely pathogenic. This variant occurs within a consensus splice junction and is predicted to result in abnormal mRNA splicing of either an out-of-frame exon or an in-frame exon necessary for protein stability and/or normal function.

Labcorp Genetics (formerly Invitae), Labcorp
Classification: Likely pathogenic for Hereditary nonpolyposis colorectal neoplasms. Last evaluated: 2020-06-08. Review status: criteria provided, single submitter. Criteria: Invitae Variant Classification Sherloc (09022015). Collection method: clinical testing. Allele origin: germline.
Comment: Donor and acceptor splice site variants typically lead to a loss of protein function (PMID: 16199547), and loss-of-function variants in MSH6 are known to be pathogenic (PMID: 18269114, 24362816). In summary, the currently available evidence indicates that the variant is pathogenic, but additional data are needed to prove that conclusively. Therefore, this variant has been classified as Likely Pathogenic. Algorithms developed to predict the effect of sequence changes on RNA splicing suggest that this variant may disrupt the consensus splice site, but this prediction has not been confirmed by published transcriptional studies. This variant has been observed in individual(s) with clinical features of Lynch syndrome (Invitae). ClinVar contains an entry for this variant (Variation ID: 619544). This variant is not present in population databases (ExAC no frequency). This sequence change affects a donor splice site in intron 5 of the MSH6 gene. It is expected to disrupt RNA splicing and likely results in an absent or disrupted protein product.

Ambry Genetics
Classification: Likely pathogenic for Hereditary cancer-predisposing syndrome. Last evaluated: 2018-05-30. Review status: criteria provided, single submitter. Criteria: Ambry Variant Classification Scheme 2023. Collection method: clinical testing. Allele origin: germline.
Comment: The c.3438+2T>C intronic variant results from a T to C substitution two nucleotides after coding exon 5 in the MSH6 gene. This nucleotide position is highly conserved in available vertebrate species. Using two different splice site prediction tools, this alteration is predicted by BDGP to abolish the native splice donor site, and is predicted to weaken (but not abolish) the efficiency of the native splice donor site by ESEfinder; however, direct evidence is unavailable. Alterations that disrupt the canonical splice site are expected to cause aberrant splicing, resulting in an abnormal protein or a transcript that is subject to nonsense-mediated mRNA decay. As such, this alteration is classified as likely pathogenic.

University of Washington Department of Laboratory Medicine, University of Washington
Classification: Uncertain significance for Lynch syndrome. Last evaluated: 2018-05-01. Review status: criteria provided, single submitter. Criteria: Shirts BH et al. (Am J Hum Genet 2018). Collection method: clinical testing. Allele origin: somatic. Affected: yes.
Comment: MSH6 NM_000179.2:c.3438+2T>C has a 86.7% probability of pathogenicity based on combining prior probability from public data with a likelihood ratio of 0.20 to 1, generated from evidence of seeing this as a somatic mutation in a tumor without loss of heterozygosity at the MSH6 locus. See Shirts et al 2018, PMID 29887214.

Literature cited by the submitters: PubMed 16199547 (cited by Labcorp Genetics (formerly Invitae), Labcorp); PubMed 18269114 (cited by Labcorp Genetics (formerly Invitae), Labcorp and Ambry Genetics); PubMed 24362816 (cited by Labcorp Genetics (formerly Invitae), Labcorp).

NM_000179.3(MSH6):c.3438+2T>C

Gene: MSH6 (mutS homolog 6; plus strand). Cytogenetic location: 2p16.3.
Variant type: single nucleotide variant.
Coding change: c.3438+2T>C on transcript NM_000179.3 (MANE Select); the canonical splice donor site of the intron after coding-DNA position 3438, T replaced by C.
Molecular consequence: splice donor variant.
Genome position (GRCh38, 1-based): chr2:47,803,687, T>C. VCF-style: chr2-47803687-T-C. GRCh37 (hg19) VCF-style: chr2-48030826-T-C.
Other names: c.2913+2T>C (NM_001406806.1, NM_001406807.1, NM_001406799.1); c.2532+2T>C (NM_001406815.1, NM_001406829.1, NM_001406823.1 and 6 more transcripts); c.3141+2T>C (NM_001406818.1, NM_001406821.1, NM_001406828.1 and 10 more transcripts); c.3270+2T>C (NM_001406826.1); c.285+2T>C (NM_001406832.1); c.219+2T>C (NM_001406831.1); c.3438+2T>C (NM_001406809.1, NM_001406796.1, NM_001406808.1 and 1 more transcripts); c.3534+2T>C (NM_001406795.1, NM_001406802.1); and 7 more.
Identifiers: ClinVar variation 619544 (VCV000619544.17), dbSNP rs1033749344, ClinGen allele CA46716168.